The following is an entry in ClinVar:

ClinVar aggregate classification (germline): Uncertain significance (1 of 4 stars; one submission).

Submission:

GeneDx
Classification: Uncertain significance. Last evaluated: 2025-02-05. Review status: criteria provided, single submitter. Criteria: GeneDx Variant Classification Process June 2021. Collection method: clinical testing. Allele origin: germline. Affected: yes.
Comment: Not observed at significant frequency in large population cohorts (gnomAD); In silico analysis indicates that this variant does not alter splicing; Has not been previously published as pathogenic or benign to our knowledge

NM_006947.4(SRP72):c.231-5_231-3del

Gene: SRP72 (signal recognition particle 72; plus strand). Cytogenetic location: 4q12.
Variant type: Microsatellite.
Coding change: c.231-5_231-3del on transcript NM_006947.4 (MANE Select); 5 bases into the intron before coding-DNA position 231 through 3 bases into the intron before coding-DNA position 231, 3 bases deleted (TTC; older notation c.231-5_231-3delTTC).
Molecular consequence: intron variant.
Genome position (GRCh38, 1-based): chr4:56,471,715-56,471,717, TTC deleted; deleting any 3 consecutive bases within chr4:56,471,711-56,471,717 gives the same sequence; the c. name uses the placement nearest the transcript's 3' end. VCF-style (leftmost placement, unchanged base first): chr4-56471710-CCTT-C. GRCh37 (hg19) VCF-style: chr4-57337876-CCTT-C.
Other names: c.231-5_231-3del (NM_001267722.2).
Identifiers: ClinVar variation 4795481 (VCV004795481.1).
Genomic context (GRCh38, chr4:56,471,710, plus strand): 5'-GGTGTTGTATATAATGGGTGCATTGCATTGTTAGATAATAATCAGATACTGTTTTTTTTT[CCTT>C]CTTCAGTAACTCTCTCTCCTTTGAAAAGGCATATTGCGAGTACAGGCTGAACAGAATTGA-3'